The following is an entry in ClinVar:

ClinVar aggregate classification (germline): Uncertain significance (1 of 4 stars; one submission).

Conditions:
Hereditary cancer-predisposing syndrome. Also called: Neoplastic Syndromes, Hereditary; Tumor predisposition; Hereditary Cancer Syndrome; Hereditary neoplastic syndrome. Identifiers: Orphanet 140162, MedGen C0027672, MeSH D009386, MONDO:0015356.

Submission:

Ambry Genetics
Classification: Uncertain significance for Hereditary cancer-predisposing syndrome. Last evaluated: 2024-04-05. Review status: criteria provided, single submitter. Criteria: Ambry Variant Classification Scheme 2023. Collection method: clinical testing. Allele origin: germline.
Comment: The p.E2478Q variant (also known as c.7432G>C), located in coding exon 49 of the ATM gene, results from a G to C substitution at nucleotide position 7432. The glutamic acid at codon 2478 is replaced by glutamine, an amino acid with highly similar properties. This amino acid position is conserved. In addition, the in silico prediction for this alteration is inconclusive. Based on the available evidence, the clinical significance of this variant remains unclear.

NM_000051.4(ATM):c.7432G>C (p.Glu2478Gln)

Genes: ATM (ATM serine/threonine kinase; plus strand), C11orf65 (chromosome 11 open reading frame 65; minus strand). Cytogenetic location: 11q22.3.
Variant type: single nucleotide variant.
Coding change: c.7432G>C on transcript NM_000051.4 (MANE Select); coding-DNA position 7432, G replaced by C.
Protein change: p.Glu2478Gln; replaces glutamic acid 2478 with glutamine.
Molecular consequence: missense variant. On other transcripts: intron variant (2).
Genome position (GRCh38, 1-based): chr11:108,330,338, G>C. VCF-style: chr11-108330338-G-C. GRCh37 (hg19) VCF-style: chr11-108201065-G-C.
Other names: c.7432G>C, p.Glu2478Gln (NM_001351834.2); c.641-21267C>G (NM_001330368.2); c.*38+4882C>G (NM_001351110.2); short protein forms E2478Q.
Identifiers: ClinVar variation 3325338 (VCV003325338.1).